The following is an entry in ClinVar:

NM_000130.5(F5):c.3187dup (p.Arg1063fs)

Gene: F5 (coagulation factor V; minus strand). Cytogenetic location: 1q24.2.
Variant type: Duplication.
Coding change: c.3187dup on transcript NM_000130.5 (MANE Select); coding-DNA position 3187, one base duplicated (A; older notation c.3187dupA).
Protein change: p.Arg1063fs; shifts the reading frame from arginine 1063.
Molecular consequence: frameshift variant.
Genome position (GRCh38, 1-based): chr1:169,541,903, T duplicated on the plus strand (A on the coding strand, the reverse complement: F5 is on the minus strand); the first of 2 consecutive T bases (chr1:169,541,903-169,541,904); duplicating either gives the same sequence. VCF-style (leftmost placement, unchanged base first): chr1-169541902-C-CT. GRCh37 (hg19) VCF-style: chr1-169511140-C-CT.
Other names: short protein forms R1063fs.
Identifiers: ClinVar variation 56159 (VCV000056159.2), dbSNP rs386834226, ClinGen allele CA215969.

ClinVar aggregate classification (germline): Pathogenic (0 of 4 stars; one submission).

Submission:

Hubei Clinical and Research Center of Thrombosis and Hemostasis Institute of Hematology, Union Hospital
Classification: Pathogenic. Review status: no assertion criteria provided. Collection method: not provided. Allele origin: inherited.
Comment: phenotypic: bleeding
ClinVar note: Converted during submission from pathogenic to Pathogenic.